The following is an entry in ClinVar:

ClinVar aggregate classification (germline): Uncertain significance. Review status: criteria provided, multiple submitters, no conflicts (2 of 4 stars). 2 submissions from 2 submitters: Uncertain significance (2). Last evaluated 2026-02-02.

Allele frequency attached by ClinVar (database versions not stated): gnomAD 0.00001; gnomAD exomes 0.00001 and 0.00005; TOPMed 0.00002; ExAC 0.00009.
gnomAD v4.1: 17 of 1,613,166 alleles (0.0011%); highest among the groups gnomAD compares: East Asian, 0.02%; no homozygotes.

Submissions (2):

Labcorp Genetics (formerly Invitae), Labcorp
Classification: Uncertain significance. Last evaluated: 2026-02-02. Review status: criteria provided, single submitter. Criteria: Invitae Variant Classification Sherloc (09022015). Collection method: clinical testing. Allele origin: germline.
Comment: This sequence change replaces glutamic acid, which is acidic and polar, with aspartic acid, which is acidic and polar, at codon 1126 of the LAMC3 protein (p.Glu1126Asp). This variant is present in population databases (rs755314801, gnomAD 0.05%). This variant has not been reported in the literature in individuals affected with LAMC3-related conditions. ClinVar contains an entry for this variant (Variation ID: 1491739). An algorithm developed to predict the effect of missense changes on protein structure and function (PolyPhen-2) suggests that this variant is likely to be tolerated. In summary, the available evidence is currently insufficient to determine the role of this variant in disease. Therefore, it has been classified as a Variant of Uncertain Significance.

GeneDx
Classification: Uncertain significance. Last evaluated: 2024-04-04. Review status: criteria provided, single submitter. Criteria: GeneDx Variant Classification Process June 2021. Collection method: clinical testing. Allele origin: germline. Affected: yes.
Comment: In silico analysis indicates that this missense variant does not alter protein structure/function; Has not been previously published as pathogenic or benign to our knowledge

NM_006059.4(LAMC3):c.3378A>C (p.Glu1126Asp)

Gene: LAMC3 (laminin subunit gamma 3; plus strand). Cytogenetic location: 9q34.12.
Variant type: single nucleotide variant.
Coding change: c.3378A>C on transcript NM_006059.4 (MANE Select); coding-DNA position 3378, A replaced by C.
Protein change: p.Glu1126Asp; replaces glutamic acid 1126 with aspartic acid.
Molecular consequence: missense variant.
Genome position (GRCh38, 1-based): chr9:131,072,796, A>C. VCF-style: chr9-131072796-A-C. GRCh37 (hg19) VCF-style: chr9-133948183-A-C.
Other names: c.3378A>C (NM_006059.3); short protein forms E1126D.
Identifiers: ClinVar variation 1491739 (VCV001491739.6), dbSNP rs755314801, ClinGen allele CA5287763.